The following is an entry in ClinVar:

ClinVar aggregate classification (germline): Likely pathogenic (1 of 4 stars; one submission).

Conditions:
Glutaric aciduria, type 1. Also called: GA I; Glutaryl-CoA dehydrogenase deficiency; Glutaric acidemia type I; Glutaricacidemia Type 1; Glutaricaciduria, type I; Glutaric Acidemia Type 1. Identifiers: Orphanet 25, MedGen C0268595, MONDO:0009281, OMIM 231670.

Submission:

Natera, Inc.
Classification: Likely pathogenic for Glutaric acidemia type 1. Last evaluated: 2025-01-16. Review status: criteria provided, single submitter. Criteria: Natera Variant Classification Schema (03/2026). Collection method: clinical testing. Allele origin: germline.
Comment: The c.267_268insCC variant in GCDH is a frameshift variant predicted to shift the reading frame beginning at codon 90 and leads to a stop codon 53 codons downstream. This variant is expected to result in nonsense mediated decay, truncation, or a dysfunctional protein product. This variant is rare in the general population with a frequency below the threshold expected for the associated phenotype(s). Given the available evidence, this variant is classified as Likely Pathogenic.

NM_000159.4(GCDH):c.267_268insCC (p.Glu90fs)

Gene: GCDH (glutaryl-CoA dehydrogenase; plus strand). Cytogenetic location: 19p13.13.
Variant type: Insertion.
Coding change: c.267_268insCC on transcript NM_000159.4 (MANE Select); coding-DNA positions 267 to 268, CC inserted.
Protein change: p.Glu90fs; shifts the reading frame from glutamic acid 90.
Molecular consequence: frameshift variant. On other transcripts: non-coding transcript variant (2).
Genome position: GRCh38 VCF-style: chr19-12891969-A-ACC. GRCh37 (hg19) VCF-style: chr19-13002783-A-ACC.
Other names: c.267_268insCC, p.Glu90fs (NM_013976.5); short protein forms E90fs.
Identifiers: ClinVar variation 4068555 (VCV004068555.2).